The following is an entry in ClinVar:

NM_001457.4(FLNB):c.3482C>T (p.Ala1161Val)

Gene: FLNB (filamin B; plus strand). Cytogenetic location: 3p14.3.
Variant type: single nucleotide variant.
Coding change: c.3482C>T on transcript NM_001457.4 (MANE Select); coding-DNA position 3482, C replaced by T.
Protein change: p.Ala1161Val; replaces alanine 1161 with valine.
Molecular consequence: missense variant.
Genome position (GRCh38, 1-based): chr3:58,123,448, C>T. VCF-style: chr3-58123448-C-T. GRCh37 (hg19) VCF-style: chr3-58109175-C-T.
Other names: c.3482C>T, p.Ala1161Val (NM_001164317.2, NM_001164318.2, NM_001164319.2); short protein forms A1161V.
Identifiers: ClinVar variation 2734541 (VCV002734541.3), dbSNP rs2097292361, ClinGen allele CA353348896.

ClinVar aggregate classification (germline): Uncertain significance (1 of 4 stars; one submission).

Allele frequency attached by ClinVar (database versions not stated): gnomAD exomes below 0.00001.
gnomAD v4.1: 5 of 1,610,050 alleles (0.00031%); highest among the groups gnomAD compares: Non-Finnish European, 0.00042%; no homozygotes.

Submission:

Labcorp Genetics (formerly Invitae), Labcorp
Classification: Uncertain significance. Last evaluated: 2022-11-06. Review status: criteria provided, single submitter. Criteria: Invitae Variant Classification Sherloc (09022015). Collection method: clinical testing. Allele origin: germline.
Comment: In summary, the available evidence is currently insufficient to determine the role of this variant in disease. Therefore, it has been classified as a Variant of Uncertain Significance. Advanced modeling of protein sequence and biophysical properties (such as structural, functional, and spatial information, amino acid conservation, physicochemical variation, residue mobility, and thermodynamic stability) performed at Invitae indicates that this missense variant is not expected to disrupt FLNB protein function. This missense change has been observed in individual(s) with clinical features of FLNB-related conditions (PMID: 28600779). This variant is not present in population databases (gnomAD no frequency). This sequence change replaces alanine, which is neutral and non-polar, with valine, which is neutral and non-polar, at codon 1161 of the FLNB protein (p.Ala1161Val).

Literature cited by the submitters: PubMed 28600779.